The following is an entry in ClinVar:

ClinVar aggregate classification (germline): Likely pathogenic. Review status: criteria provided, multiple submitters, no conflicts (2 of 4 stars). 2 submissions from 2 submitters: Likely pathogenic (2). Last evaluated 2023-10-24.

Conditions:
Anemia, nonspherocytic hemolytic, due to G6PD deficiency (CNSHA1). Also called: Hemolytic anemia due to G6PD deficiency; Class I glucose-6-phosphate dehydrogenase deficiency; Favism, susceptibility to; ANEMIA, CONGENITAL, NONSPHEROCYTIC HEMOLYTIC, 1. Identifiers: Orphanet 466026, MedGen C2720289, MONDO:0010480, OMIM 300908.

Submissions (2):

Labcorp Genetics (formerly Invitae), Labcorp
Classification: Likely pathogenic for Anemia, nonspherocytic hemolytic, due to G6PD deficiency. Last evaluated: 2023-10-24. Review status: criteria provided, single submitter. Criteria: Invitae Variant Classification Sherloc (09022015). Collection method: clinical testing. Allele origin: germline.
Comment: This sequence change replaces glycine, which is neutral and non-polar, with glutamic acid, which is acidic and polar, at codon 321 of the G6PD protein (p.Gly321Glu). This variant is not present in population databases (gnomAD no frequency). This missense change has been observed in individual(s) with glucose-6-phosphate dehydrogenase deficiency (Invitae). ClinVar contains an entry for this variant (Variation ID: 1722601). Advanced modeling of protein sequence and biophysical properties (such as structural, functional, and spatial information, amino acid conservation, physicochemical variation, residue mobility, and thermodynamic stability) performed at Invitae indicates that this missense variant is expected to disrupt G6PD protein function with a positive predictive value of 95%. This variant disrupts the p.Gly321 amino acid residue in G6PD. Other variant(s) that disrupt this residue have been observed in individuals with G6PD-related conditions (PMID: 30988594), which suggests that this may be a clinically significant amino acid residue. In summary, the currently available evidence indicates that the variant is pathogenic, but additional data are needed to prove that conclusively. Therefore, this variant has been classified as Likely Pathogenic.

Dunham Lab, University of Washington
Classification: Likely pathogenic for Anemia, nonspherocytic hemolytic, due to G6PD deficiency. Last evaluated: 2022-08-12. Review status: criteria provided, single submitter. Criteria: Bayesian ACMG Guidelines, 2018. Collection method: curation. Allele origin: unknown. Affected: yes.
Comment: Decreased activity in red blood cells (PS3). Not found in gnomAD (PM2). Post_P 0.949 (odds of pathogenicity 168.4, Prior_P 0.1).

Literature cited by the submitters: PubMed 30988594 (cited by Labcorp Genetics (formerly Invitae), Labcorp); PubMed 9410474 (cited by Dunham Lab, University of Washington).

NM_001360016.2(G6PD):c.962G>A (p.Gly321Glu)

Gene: G6PD (glucose-6-phosphate dehydrogenase; minus strand). Cytogenetic location: Xq28.
Variant type: single nucleotide variant.
Coding change: c.962G>A on transcript NM_001360016.2 (MANE Select); coding-DNA position 962, G replaced by A.
Protein change: p.Gly321Glu; replaces glycine 321 with glutamic acid.
Molecular consequence: missense variant.
Genome position (GRCh38, 1-based): chrX:154,533,031, C>T on the plus strand (G>A on the coding strand, the complement: G6PD is on the minus strand). VCF-style: chrX-154533031-C-T. GRCh37 (hg19) VCF-style: chrX-153761246-C-T.
Other names: G6PD Manhattan; c.1052G>A, p.Gly351Glu (NM_000402.4); c.962G>A, p.Gly321Glu (NM_001042351.3); short protein forms G321E, G351E.
Identifiers: ClinVar variation 1722601 (VCV001722601.5), dbSNP rs2523263867, ClinGen allele CA415234561.